The following is an entry in ClinVar:

NM_002637.4(PHKA1):c.2137+12C>T

Gene: PHKA1 (phosphorylase kinase regulatory subunit alpha 1; minus strand). Cytogenetic location: Xq13.1.
Variant type: single nucleotide variant.
Coding change: c.2137+12C>T on transcript NM_002637.4 (MANE Select); 12 bases into the intron after coding-DNA position 2137, C replaced by T.
Molecular consequence: intron variant.
Genome position (GRCh38, 1-based): chrX:72,620,713, G>A on the plus strand (C>T on the coding strand, the complement: PHKA1 is on the minus strand). VCF-style: chrX-72620713-G-A. GRCh37 (hg19) VCF-style: chrX-71840563-G-A.
Other names: c.1961-1408C>T (NM_001172436.2); c.2137+12C>T (NM_001122670.2).
Identifiers: ClinVar variation 389415 (VCV000389415.4), dbSNP rs782222298, ClinGen allele CA10450763.
Genomic context (GRCh38, chrX:72,620,713, plus strand): 5'-ATCAATGCCCGCCCCTATCCTGGGCTTCACGTCATCCTGTGCCTGACTCTGGTGAGTCAC[G>A]GCATTACTCACTCTGTACATGCAGTTCCTTGGCCTTGGTCACCAAGGACATTAAGTCGCA-3'

ClinVar aggregate classification (germline): Likely benign. Review status: criteria provided, multiple submitters, no conflicts (2 of 4 stars). 2 submissions from 2 submitters: Likely benign (2). Last evaluated 2023-08-28.

Conditions:
Glycogen storage disease IXd (GSD9D). Also called: Muscle Phosphorylase Kinase Deficiency; GSD IXd. Identifiers: Orphanet 715, MedGen C1845151, MONDO:0010362, OMIM 300559.

Allele frequency attached by ClinVar (database versions not stated): gnomAD exomes 0.00001; gnomAD 0.00002; TOPMed 0.00002; ExAC 0.00004.
gnomAD v4.1: 10 of 1,195,336 alleles (0.00084%); highest among the groups gnomAD compares: East Asian, 0.0059%; no homozygotes.

Submissions (2):

Labcorp Genetics (formerly Invitae), Labcorp
Classification: Likely benign for Glycogen storage disease IXd. Last evaluated: 2023-08-28. Review status: criteria provided, single submitter. Criteria: Invitae Variant Classification Sherloc (09022015). Collection method: clinical testing. Allele origin: germline.

GeneDx
Classification: Likely benign. Last evaluated: 2016-10-05. Review status: criteria provided, single submitter. Criteria: GeneDx Variant Classification (06012015). Collection method: clinical testing. Allele origin: germline. Affected: yes.
Comment: This variant is considered likely benign or benign based on one or more of the following criteria: it is a conservative change, it occurs at a poorly conserved position in the protein, it is predicted to be benign by multiple in silico algorithms, and/or has population frequency not consistent with disease.